The following is an entry in ClinVar:

ClinVar aggregate classification (germline): Uncertain significance. Review status: criteria provided, multiple submitters, no conflicts (2 of 4 stars). 2 submissions from 2 submitters: Uncertain significance (2). Last evaluated 2026-02-28.

Conditions:
Telangiectasia, hereditary hemorrhagic, type 1 (HHT1). Also called: Osler Weber Rendu syndrome type 1; ENG-Related Hereditary Hemorrhagic Telangiectasia. Identifiers: Orphanet 774, MedGen C4551861, MONDO:0008535, OMIM 187300. Disease mechanism: loss of function.
Cardiovascular phenotype. Identifiers: MedGen CN230736.

Submissions (2):

Ambry Genetics
Classification: Uncertain significance for Cardiovascular phenotype. Last evaluated: 2026-02-28. Review status: criteria provided, single submitter. Criteria: Ambry Variant Classification Scheme 2023. Collection method: clinical testing. Allele origin: germline.
Comment: The p.M657L variant (also known as c.1969A>C), located in coding exon 15 of the ENG gene, results from an A to C substitution at nucleotide position 1969. The methionine at codon 657 is replaced by leucine, an amino acid with highly similar properties. This amino acid position is conserved. In addition, this alteration is predicted to be tolerated by in silico analysis. Based on the available evidence, the clinical significance of this variant remains unclear.

Clinical Genomics Laboratory, Washington University in St. Louis
Classification: Uncertain significance for Telangiectasia, hereditary hemorrhagic, type 1. Last evaluated: 2024-07-02. Review status: criteria provided, single submitter. Criteria: ACMG Guidelines, 2015. Collection method: clinical testing. Allele origin: germline.
Comment: A ENG c.1969A>C (p.Met657Leu) variant was identified at a near heterozygous allelic fraction of 48.7%, a frequency which may be consistent with germline origin. This variant, to our knowledge, has not been reported in the medical literature and is only observed on 1/1,563,422 alleles in the general population (gnomAD v4.1.0), indicating that it is not a common variant. Computational predictors suggest that this variant does not impact FAT4 function. Due to limited information, and based on ACMG/AMP guidelines for variant interpretation (Richards S et al., PMID: 25741868), the clinical significance of the ENG c.1969A>C (p.Met657Leu) variant is uncertain at this time.

NM_001114753.3(ENG):c.1969A>C (p.Met657Leu)

Gene: ENG (endoglin; minus strand). Cytogenetic location: 9q34.11.
Variant type: single nucleotide variant.
Coding change: c.1969A>C on transcript NM_001114753.3 (MANE Select); coding-DNA position 1969, A replaced by C.
Protein change: p.Met657Leu; replaces methionine 657 with leucine.
Molecular consequence: missense variant. On other transcripts: 3 prime UTR variant (1).
Genome position (GRCh38, 1-based): chr9:127,815,690, T>G on the plus strand (A>C on the coding strand, the complement: ENG is on the minus strand). VCF-style: chr9-127815690-T-G. GRCh37 (hg19) VCF-style: chr9-130577969-T-G.
Other names: c.*227A>C (NM_000118.4); c.1423A>C, p.Met475Leu (NM_001278138.2); c.1969A>C (NM_001114753.1); short protein forms M475L, M657L.
Identifiers: ClinVar variation 3600454 (VCV003600454.2).